The following is an entry in ClinVar:

ClinVar aggregate classification (germline): Uncertain significance (1 of 4 stars; one submission).

Conditions:
Hereditary cancer-predisposing syndrome. Also called: Neoplastic Syndromes, Hereditary; Tumor predisposition; Hereditary Cancer Syndrome; Hereditary neoplastic syndrome. Identifiers: Orphanet 140162, MedGen C0027672, MeSH D009386, MONDO:0015356.

Submission:

Ambry Genetics
Classification: Uncertain significance for Hereditary cancer-predisposing syndrome. Last evaluated: 2024-12-12. Review status: criteria provided, single submitter. Criteria: Ambry Variant Classification Scheme 2023. Collection method: clinical testing. Allele origin: germline.
Comment: The p.F3049S variant (also known as c.9146T>C), located in coding exon 62 of the ATM gene, results from a T to C substitution at nucleotide position 9146. The phenylalanine at codon 3049 is replaced by serine, an amino acid with highly dissimilar properties. This amino acid position is conserved. In addition, this alteration is predicted to be deleterious by in silico analysis. Based on the available evidence, the clinical significance of this variant remains unclear.

NM_000051.4(ATM):c.9146T>C (p.Phe3049Ser)

Genes: ATM (ATM serine/threonine kinase; plus strand), C11orf65 (chromosome 11 open reading frame 65; minus strand). Cytogenetic location: 11q22.3.
Variant type: single nucleotide variant.
Coding change: c.9146T>C on transcript NM_000051.4 (MANE Select); coding-DNA position 9146, T replaced by C.
Protein change: p.Phe3049Ser; replaces phenylalanine 3049 with serine.
Molecular consequence: missense variant. On other transcripts: intron variant (2).
Genome position (GRCh38, 1-based): chr11:108,365,483, T>C. VCF-style: chr11-108365483-T-C. GRCh37 (hg19) VCF-style: chr11-108236210-T-C.
Other names: c.9146T>C, p.Phe3049Ser (NM_001351834.2); c.640+20437A>G (NM_001330368.2); c.694+20437A>G (NM_001351110.2); short protein forms F3049S.
Identifiers: ClinVar variation 3801211 (VCV003801211.1).
Genomic context (GRCh38, chr11:108,365,483, plus strand): 5'-GTGGACAAGTGAATTTGCTCATACAGCAGGCCATAGACCCCAAAAATCTCAGCCGACTTT[T>C]CCCAGGATGGAAAGCTTGGGTGTGATCTTCAGTATATGAATTACCCTTTCATTCAGCCTT-3'
Protein context (NP_000042.3, residues 3039-3056): AIDPKNLSRL[Phe3049Ser]PGWKAWV